The following is an entry in ClinVar:

NC_000017.10:g.(?_59760657)_(59763536_?)dup

Gene: BRIP1 (BRCA1 interacting DNA helicase 1; minus strand). Cytogenetic location: 17q23.2.
Variant type: Duplication.
Identifiers: ClinVar variation 1434274 (VCV001434274.5).

ClinVar aggregate classification (germline): Uncertain significance (1 of 4 stars; one submission).

Conditions:
Fanconi anemia complementation group J. Also called: BRIP1-Related Fanconi Anemia. Identifiers: Orphanet 84, MedGen C1836860, MONDO:0012187, OMIM 609054.
Familial cancer of breast. Also called: BREAST CANCER, FAMILIAL; Hereditary breast cancer; hereditary breast carcinoma. Identifiers: Orphanet 227535, MedGen C0346153, MONDO:0016419, OMIM 114480. Disease mechanism: loss of function.

Submission:

Labcorp Genetics (formerly Invitae), Labcorp
Classification: Uncertain significance for Familial cancer of breast; Fanconi anemia complementation group J. Last evaluated: 2021-04-14. Review status: criteria provided, single submitter. Criteria: Invitae Variant Classification Sherloc (09022015). Collection method: clinical testing. Allele origin: germline.
Comment: This variant results in a copy number gain of the genomic region encompassing exon(s) 19-20 of the BRIP1 gene. The 5' boundary is likely confined to intron 18. The 3' end of this event is unknown as it extends beyond the assayed region for this gene and therefore may encompass additional genes. As the precise location of this event is unknown, it may be in tandem or it may be located elsewhere in the genome. In summary, the available evidence is currently insufficient to determine the role of this variant in disease. Therefore, it has been classified as a Variant of Uncertain Significance. Experimental studies and prediction algorithms are not available or were not evaluated, and the functional significance of this variant is currently unknown. This variant has not been reported in the literature in individuals with BRIP1-related conditions.